The following is an entry in ClinVar:

NM_016312.3(WBP11):c.839A>G (p.Asp280Gly)

Gene: WBP11 (WW domain binding protein 11; minus strand). Cytogenetic location: 12p12.3.
Variant type: single nucleotide variant.
Coding change: c.839A>G on transcript NM_016312.3 (MANE Select); coding-DNA position 839, A replaced by G.
Protein change: p.Asp280Gly; replaces aspartic acid 280 with glycine.
Molecular consequence: missense variant.
Genome position (GRCh38, 1-based): chr12:14,793,805, T>C on the plus strand (A>G on the coding strand, the complement: WBP11 is on the minus strand). VCF-style: chr12-14793805-T-C. GRCh37 (hg19) VCF-style: chr12-14946739-T-C.
Other names: short protein forms D280G.
Identifiers: ClinVar variation 3392961 (VCV003392961.1).

ClinVar aggregate classification (germline): Uncertain significance (1 of 4 stars; one submission).

Submission:

GeneDx
Classification: Uncertain significance. Last evaluated: 2024-06-28. Review status: criteria provided, single submitter. Criteria: GeneDx Variant Classification Process June 2021. Collection method: clinical testing. Allele origin: germline. Affected: yes.
Comment: Not observed at significant frequency in large population cohorts (gnomAD); In silico analysis supports that this missense variant has a deleterious effect on protein structure/function; Has not been previously published as pathogenic or benign to our knowledge